The following is an entry in ClinVar:

NM_012254.3(SLC27A5):c.1496T>A (p.Val499Glu)

Gene: SLC27A5 (solute carrier family 27 member 5; minus strand). Cytogenetic location: 19q13.43.
Variant type: single nucleotide variant.
Coding change: c.1496T>A on transcript NM_012254.3 (MANE Select); coding-DNA position 1496, T replaced by A.
Protein change: p.Val499Glu; replaces valine 499 with glutamic acid.
Molecular consequence: missense variant.
Genome position (GRCh38, 1-based): chr19:58,499,663, A>T on the plus strand (T>A on the coding strand, the complement: SLC27A5 is on the minus strand). VCF-style: chr19-58499663-A-T. GRCh37 (hg19) VCF-style: chr19-59011030-A-T.
Other names: c.1244T>A, p.Val415Glu (NM_001321196.2); short protein forms V415E, V499E.
Identifiers: ClinVar variation 2259767 (VCV002259767.4), dbSNP rs772177178, ClinGen allele CA9717937.

ClinVar aggregate classification (germline): Uncertain significance. Review status: criteria provided, multiple submitters, no conflicts (2 of 4 stars). 2 submissions from 2 submitters: Uncertain significance (2). Last evaluated 2024-01-25.

Allele frequency attached by ClinVar (database versions not stated): TOPMed below 0.00001; ExAC 0.00001.
gnomAD v4.1: 5 of 1,611,796 alleles (0.00031%); highest among the groups gnomAD compares: East Asian, 0.011%; no homozygotes.

Submissions (2):

Labcorp Genetics (formerly Invitae), Labcorp
Classification: Uncertain significance. Last evaluated: 2024-01-25. Review status: criteria provided, single submitter. Criteria: Invitae Variant Classification Sherloc (09022015). Collection method: clinical testing. Allele origin: germline.
Comment: This sequence change replaces valine, which is neutral and non-polar, with glutamic acid, which is acidic and polar, at codon 499 of the SLC27A5 protein (p.Val499Glu). This variant is present in population databases (rs772177178, gnomAD 0.03%). This variant has not been reported in the literature in individuals affected with SLC27A5-related conditions. ClinVar contains an entry for this variant (Variation ID: 2259767). An algorithm developed to predict the effect of missense changes on protein structure and function (PolyPhen-2) suggests that this variant is likely to be disruptive. In summary, the available evidence is currently insufficient to determine the role of this variant in disease. Therefore, it has been classified as a Variant of Uncertain Significance.

Ambry Genetics
Classification: Uncertain significance. Last evaluated: 2021-11-09. Review status: criteria provided, single submitter. Criteria: Ambry Variant Classification Scheme 2023. Collection method: clinical testing. Allele origin: germline.